The following is an entry in ClinVar:

NM_001097577.3(ANG):c.368G>C (p.Gly123Ala)

Genes: RNASE4 (ribonuclease A family member 4; plus strand), ANG (angiogenin; plus strand), EGILA (EGFR interacting lncRNA; minus strand). Cytogenetic location: 14q11.2.
Variant type: single nucleotide variant.
Coding change: c.368G>C on transcript NM_001097577.3 (MANE Select); coding-DNA position 368, G replaced by C.
Protein change: p.Gly123Ala; replaces glycine 123 with alanine.
Molecular consequence: missense variant. On other transcripts: intron variant (4).
Genome position (GRCh38, 1-based): chr14:20,693,932, G>C. VCF-style: chr14-20693932-G-C. GRCh37 (hg19) VCF-style: chr14-21162091-G-C.
Other names: c.368G>C, p.Gly123Ala (NM_001145.4, NM_001385271.1, NM_001385272.1 and 2 more transcripts); c.-18+282G>C (NM_001282192.2); c.-17-5423G>C (NM_002937.5, NM_001282193.2); c.-18+5058G>C (NM_194431.3); short protein forms G123A.
Identifiers: ClinVar variation 1344517 (VCV001344517.20), dbSNP rs535311762, ClinGen allele CA7083184.

ClinVar aggregate classification (germline): Uncertain significance. Review status: criteria provided, multiple submitters, no conflicts (2 of 4 stars). 5 submissions from 5 submitters: Uncertain significance (3). 2 of the submissions do not count toward it. Last evaluated 2025-05-01.

Conditions:
ANG-related disorder. Also called: ANG-related condition.
Inborn genetic diseases. Identifiers: MedGen C0950123, MeSH D030342.
Frontotemporal dementia (FTD1). Also called: FRONTOTEMPORAL DEMENTIA WITH PARKINSONISM; FRONTOTEMPORAL LOBE DEMENTIA; FRONTOTEMPORAL LOBAR DEGENERATION WITH TAU INCLUSIONS; FTLD WITH TAU INCLUSIONS; Frontotemporal lobe dementia (FLDEM); MULTIPLE SYSTEM TAUOPATHY WITH PRESENILE DEMENTIA. Identifiers: Orphanet 282, MedGen C0338451, MONDO:0017276, OMIM 600274, HP:0002145.

Allele frequency attached by ClinVar (database versions not stated): 1000 Genomes Project 30x 0.00016; 1000 Genomes Project 0.00020.
gnomAD v4.1: 99 of 1,614,062 alleles (0.0061%); highest among the groups gnomAD compares: Admixed American, 0.062%; no homozygotes.

Submissions (5):

CeGaT Center for Human Genetics Tuebingen
Classification: Uncertain significance. Last evaluated: 2025-05-01. Review status: criteria provided, single submitter. Criteria: CeGaT Center For Human Genetics Tuebingen Variant Classification Criteria Version 2. Collection method: clinical testing. Allele origin: germline. Affected: yes. Observed: 1 variant allele.
Comment: ANG: PM2:Supporting, BP4

Labcorp Genetics (formerly Invitae), Labcorp
Classification: Uncertain significance. Last evaluated: 2025-01-20. Review status: criteria provided, single submitter. Criteria: Invitae Variant Classification Sherloc (09022015). Collection method: clinical testing. Allele origin: germline.
Comment: This sequence change replaces glycine, which is neutral and non-polar, with alanine, which is neutral and non-polar, at codon 123 of the ANG protein (p.Gly123Ala). This variant is present in population databases (rs535311762, gnomAD 0.05%), and has an allele count higher than expected for a pathogenic variant. This missense change has been observed in individual(s) with clinical features of ANG-related conditions (PMID: 35873773). ClinVar contains an entry for this variant (Variation ID: 1344517). An algorithm developed to predict the effect of missense changes on protein structure and function outputs the following: PolyPhen-2: "Benign". The alanine amino acid residue is found in multiple mammalian species, which suggests that this missense change does not adversely affect protein function. In summary, the available evidence is currently insufficient to determine the role of this variant in disease. Therefore, it has been classified as a Variant of Uncertain Significance.

Ambry Genetics
Classification: Uncertain significance for Inborn genetic diseases. Last evaluated: 2021-10-06. Review status: criteria provided, single submitter. Criteria: Ambry Variant Classification Scheme 2023. Collection method: clinical testing. Allele origin: germline.

PreventionGenetics, part of Exact Sciences
Classification: Uncertain significance for ANG-related condition. Last evaluated: 2024-07-03. Review status: no assertion criteria provided. Collection method: clinical testing. Allele origin: germline. Not counted in ClinVar's aggregate classification.
Comment: The ANG c.368G>C variant is predicted to result in the amino acid substitution p.Gly123Ala. This variant was reported in an individual with frontotemporal dementia; however, family analysis showed that the variant only segregated in two out of three affected siblings (Tábuas-Pereira et al. 2022. PubMed ID: 35873773). This variant is reported in 0.051% of alleles in individuals of Latino descent in gnomAD. This variant has conflicting interpretations in ClinVar ranging from uncertain to likely pathogenic. At this time, the clinical significance of this variant is uncertain due to the absence of conclusive functional and genetic evidence.

Guerreiro-Bras Laboratory, Van Andel Institute
Classification: Likely pathogenic for Frontotemporal dementia. Last evaluated: 2022-02-02. Review status: no assertion criteria provided. Collection method: research. Allele origin: unknown. Affected: yes. Not counted in ClinVar's aggregate classification.

Literature cited by the submitters: PubMed 35873773 (cited by Labcorp Genetics (formerly Invitae), Labcorp).